The following is an entry in ClinVar:

ClinVar aggregate classification (germline): Benign. Review status: criteria provided, multiple submitters, no conflicts (2 of 4 stars). 2 submissions from 2 submitters: Benign (2). Last evaluated 2018-06-14.

Allele frequency attached by ClinVar (database versions not stated): 1000 Genomes Project 0.14696; 1000 Genomes Project 30x 0.15100; TOPMed 0.15441; gnomAD 0.15574 and 0.15757.

Submissions (2):

GeneDx
Classification: Benign. Last evaluated: 2018-06-14. Review status: criteria provided, single submitter. Criteria: GeneDx Variant Classification (06012015). Collection method: clinical testing. Allele origin: germline. Affected: yes.
Comment: This variant is considered likely benign or benign based on one or more of the following criteria: it is a conservative change, it occurs at a poorly conserved position in the protein, it is predicted to be benign by multiple in silico algorithms, and/or has population frequency not consistent with disease.

Breakthrough Genomics
Classification: Benign. Review status: criteria provided, single submitter. Criteria: ACMG Guidelines, 2015. Collection method: not provided. Allele origin: germline. Inheritance: Autosomal recessive inheritance. Affected: yes.

NM_001848.3(COL6A1):c.1273-138G>A

Gene: COL6A1 (collagen type VI alpha 1 chain; plus strand). Cytogenetic location: 21q22.3.
Variant type: single nucleotide variant.
Coding change: c.1273-138G>A on transcript NM_001848.3 (MANE Select); 138 bases into the intron before coding-DNA position 1273, G replaced by A.
Molecular consequence: intron variant.
Genome position (GRCh38, 1-based): chr21:45,992,610, G>A. VCF-style: chr21-45992610-G-A. GRCh37 (hg19) VCF-style: chr21-47412524-G-A.
Identifiers: ClinVar variation 681671 (VCV000681671.2), dbSNP rs760439, ClinGen allele CA14888033.